The following is an entry in ClinVar:

NM_002617.4(PEX10):c.363del (p.Asp122fs)

Gene: PEX10 (peroxisomal biogenesis factor 10; minus strand). Cytogenetic location: 1p36.32.
Variant type: Deletion.
Coding change: c.363del on transcript NM_002617.4 (MANE Select); coding-DNA position 363, one base deleted (C; older notation c.363delC).
Protein change: p.Asp122fs; shifts the reading frame from aspartic acid 122.
Molecular consequence: frameshift variant. On other transcripts: 5 prime UTR variant (2), non-coding transcript variant (1).
Genome position (GRCh38, 1-based): chr1:2,408,689, G deleted on the plus strand (C on the coding strand, the reverse complement: PEX10 is on the minus strand); the first of 4 consecutive G bases (chr1:2,408,689-2,408,692); deleting any one gives the same sequence. VCF-style (leftmost placement, unchanged base first): chr1-2408688-CG-C. GRCh37 (hg19) VCF-style: chr1-2340127-CG-C.
Other names: c.363del, p.Asp122fs (NM_001374425.1, NM_153818.2); c.-70del (NM_001374426.1, NM_001374427.1); short protein forms D122fs.
Identifiers: ClinVar variation 2869078 (VCV002869078.4), dbSNP rs2522278305, ClinGen allele CA2642720343.
Genomic context (GRCh38, chr1:2,408,688, plus strand): 5'-GCGCCCCTGAGCAGCCACGCCCACCTGGCCCCAGGCTCCCCTGCAAGGGTCGCCCACTGT[CG>C]GGGTCAGCCTGCAGCTCCTGCTCCAGGGGGAGCAGGGCCTTGTCCAGCAGGTAGGGCAGG-3'

ClinVar aggregate classification (germline): Pathogenic/Likely pathogenic. Review status: criteria provided, multiple submitters, no conflicts (2 of 4 stars). 2 submissions from 2 submitters: Pathogenic (1); Likely pathogenic (1). Last evaluated 2024-03-02.

Conditions:
Peroxisome biogenesis disorder, complementation group 7 (CG7). Also called: Peroxisome biogenesis disorder, complementation group B. Identifiers: MedGen C1864399.
Peroxisome biogenesis disorder 6A (Zellweger). Also called: Peroxisome biogenesis disorder 6A. Identifiers: Orphanet 912, MedGen C3553947, MONDO:0013936, OMIM 614870.

Submissions (2):

Baylor Genetics
Classification: Likely pathogenic for Peroxisome biogenesis disorder 6A (Zellweger). Last evaluated: 2024-03-02. Review status: criteria provided, single submitter. Criteria: ACMG Guidelines, 2015. Collection method: clinical testing. Allele origin: unknown.

Labcorp Genetics (formerly Invitae), Labcorp
Classification: Pathogenic for Peroxisome biogenesis disorder, complementation group 7. Last evaluated: 2022-12-31. Review status: criteria provided, single submitter. Criteria: Invitae Variant Classification Sherloc (09022015). Collection method: clinical testing. Allele origin: germline.
Comment: For these reasons, this variant has been classified as Pathogenic. This variant has not been reported in the literature in individuals affected with PEX10-related conditions. This variant is not present in population databases (gnomAD no frequency). This sequence change creates a premature translational stop signal (p.Asp122Thrfs*31) in the PEX10 gene. It is expected to result in an absent or disrupted protein product. Loss-of-function variants in PEX10 are known to be pathogenic (PMID: 9683594, 10862081, 21031596).

Literature cited by the submitters: PubMed 9683594 (cited by Labcorp Genetics (formerly Invitae), Labcorp); PubMed 10862081 (cited by Labcorp Genetics (formerly Invitae), Labcorp); PubMed 21031596 (cited by Labcorp Genetics (formerly Invitae), Labcorp).